The following is an entry in ClinVar:

NM_014000.3(VCL):c.2521G>A (p.Asp841Asn)

Gene: VCL (vinculin; plus strand). Cytogenetic location: 10q22.2.
Variant type: single nucleotide variant.
Coding change: c.2521G>A on transcript NM_014000.3 (MANE Select); coding-DNA position 2521, G replaced by A.
Protein change: p.Asp841Asn; replaces aspartic acid 841 with asparagine.
Molecular consequence: missense variant.
Genome position (GRCh38, 1-based): chr10:74,107,316, G>A. VCF-style: chr10-74107316-G-A. GRCh37 (hg19) VCF-style: chr10-75867074-G-A.
Other names: c.2521G>A, p.Asp841Asn (NM_003373.4); short protein forms D841N.
Identifiers: ClinVar variation 1792551 (VCV001792551.5), dbSNP rs150385900, ClinGen allele CA377263771.

ClinVar aggregate classification (germline): Uncertain significance. Review status: criteria provided, multiple submitters, no conflicts (2 of 4 stars). 2 submissions from 2 submitters: Uncertain significance (2). Last evaluated 2023-06-18.

Conditions:
Cardiovascular phenotype. Identifiers: MedGen CN230736.
Dilated cardiomyopathy 1W (CMD1W). Identifiers: Orphanet 154, MedGen C1969639, MONDO:0012667, OMIM 611407.

gnomAD v4.1: 1 of 1,614,200 alleles (0.000062%); highest among the groups gnomAD compares: Non-Finnish European, 0.000085%; no homozygotes.

Submissions (2):

Labcorp Genetics (formerly Invitae), Labcorp
Classification: Uncertain significance for Dilated cardiomyopathy 1W. Last evaluated: 2023-06-18. Review status: criteria provided, single submitter. Criteria: Invitae Variant Classification Sherloc (09022015). Collection method: clinical testing. Allele origin: germline.
Comment: This variant is not present in population databases (gnomAD no frequency). In summary, the available evidence is currently insufficient to determine the role of this variant in disease. Therefore, it has been classified as a Variant of Uncertain Significance. An algorithm developed to predict the effect of missense changes on protein structure and function (PolyPhen-2) suggests that this variant is likely to be disruptive. ClinVar contains an entry for this variant (Variation ID: 1792551). This variant has not been reported in the literature in individuals affected with VCL-related conditions. This sequence change replaces aspartic acid, which is acidic and polar, with asparagine, which is neutral and polar, at codon 841 of the VCL protein (p.Asp841Asn).

Ambry Genetics
Classification: Uncertain significance for Cardiovascular phenotype. Last evaluated: 2016-01-05. Review status: criteria provided, single submitter. Criteria: Ambry Variant Classification Scheme 2023. Collection method: clinical testing. Allele origin: germline.
Comment: The p.D841N variant (also known as c.2521G>A), located in coding exon 17 of the VCL gene, results from a G to A substitution at nucleotide position 2521. The aspartic acid at codon 841 is replaced by asparagine, an amino acid with highly similar properties. This variant was not reported in population based cohorts in the following databases: Database of Single Nucleotide Polymorphisms (dbSNP), NHLBI Exome Sequencing Project (ESP), and 1000 Genomes Project. In the ESP, this variant was not observed in 6503 samples (13006 alleles) with coverage at this position. This amino acid position is highly conserved in available vertebrate species. In addition, this alteration is predicted to be tolerated by in silico analysis. Since supporting evidence is limited at this time, the clinical significance of this variant remains unclear.